The following is an entry in ClinVar:

NM_001754.5(RUNX1):c.1025T>C (p.Ile342Thr)

Gene: RUNX1 (RUNX family transcription factor 1; minus strand). Cytogenetic location: 21q22.12.
Variant type: single nucleotide variant.
Coding change: c.1025T>C on transcript NM_001754.5 (MANE Select); coding-DNA position 1025, T replaced by C.
Protein change: p.Ile342Thr; replaces isoleucine 342 with threonine.
Molecular consequence: missense variant.
Genome position (GRCh38, 1-based): chr21:34,792,553, A>G on the plus strand (T>C on the coding strand, the complement: RUNX1 is on the minus strand). VCF-style: chr21-34792553-A-G. GRCh37 (hg19) VCF-style: chr21-36164850-A-G.
Other names: NM_001754.5(RUNX1):c.1025T>C; p.Ile342Thr; c.944T>C, p.Ile315Thr (NM_001001890.3); c.1025T>C (NM_001754.4); short protein forms I315T, I342T.
Identifiers: ClinVar variation 1053850 (VCV001053850.12), dbSNP rs2145877771, ClinGen allele CA410148525.

ClinVar aggregate classification (germline): Uncertain significance. Review status: reviewed by expert panel (3 of 4 stars). 3 submissions from 3 submitters: Uncertain significance (1). 2 of the submissions do not count toward it. Last evaluated 2025-05-02.

Conditions:
Inborn genetic diseases. Identifiers: MedGen C0950123, MeSH D030342.
Hereditary thrombocytopenia and hematologic cancer predisposition syndrome. Identifiers: Orphanet 71290, MedGen CN281654, MONDO:0011071.
Hereditary thrombocytopenia and hematological cancer predisposition syndrome associated with RUNX1. Also called: Familial Platelet Disorder with Propensity to Acute Myelogenous Leukemia; PLATELET DISORDER, ASPIRIN-LIKE; RUNX1 Familial Platelet Disorder with Associated Myeloid Malignancies; Familial thrombocytopenia with propensity to acute myelogenous leukemia. Identifiers: Orphanet 71290, MedGen C1832388, MeSH C563324, MONDO:0100083, OMIM 601399.

Submissions (3):

ClinGen Myeloid Malignancy Variant Curation Expert Panel
Classification: Uncertain significance for Hereditary thrombocytopenia and hematologic cancer predisposition syndrome. Last evaluated: 2025-05-02. Review status: reviewed by expert panel. Criteria: ClinGen MyeloMalig ACMG Specifications v2. Collection method: curation. Allele origin: germline. Inheritance: Autosomal dominant inheritance.
Comment: NM_001754.5(RUNX1):c.1025T>C (p.Ile342Thr) is a missense variant which has a REVEL score < 0.50 (0.248) and a SpliceAI score ≤ 0.20 (0.0) (BP4). This variant is completely absent from all population databases with at least 20x coverage for RUNX1 (PM2_Supporting). In summary, the clinical significance of this variant is uncertain. ACMG/AMP criteria applied, as specified by the Myeloid Malignancy Variant Curation Expert Panel for RUNX1: BP4, PM2_Supporting.

Ambry Genetics
Classification: Uncertain significance for Inborn genetic diseases. Last evaluated: 2026-07-07. Review status: criteria provided, single submitter. Criteria: Ambry Variant Classification Scheme 2023. Collection method: clinical testing. Allele origin: germline. Not counted in ClinVar's aggregate classification.
Comment: The p.I342T variant (also known as c.1025T>C), located in coding exon 8 of the RUNX1 gene, results from a T to C substitution at nucleotide position 1025. The isoleucine at codon 342 is replaced by threonine, an amino acid with similar properties. This amino acid position is conserved. In addition, the in silico prediction for this alteration is inconclusive. Based on the available evidence, the clinical significance of this variant remains unclear.

Labcorp Genetics (formerly Invitae), Labcorp
Classification: Uncertain significance for Hereditary thrombocytopenia and hematological cancer predisposition syndrome associated with RUNX1. Last evaluated: 2020-02-17. Review status: criteria provided, single submitter. Criteria: Invitae Variant Classification Sherloc (09022015). Collection method: clinical testing. Allele origin: germline. Not counted in ClinVar's aggregate classification.
Comment: This sequence change replaces isoleucine with threonine at codon 342 of the RUNX1 protein (p.Ile342Thr). The isoleucine residue is moderately conserved and there is a moderate physicochemical difference between isoleucine and threonine. This variant is not present in population databases (ExAC no frequency). This variant has not been reported in the literature in individuals with RUNX1-related conditions. Algorithms developed to predict the effect of missense changes on protein structure and function (SIFT, PolyPhen-2, Align-GVGD) all suggest that this variant is likely to be tolerated, but these predictions have not been confirmed by published functional studies and their clinical significance is uncertain. In summary, the available evidence is currently insufficient to determine the role of this variant in disease. Therefore, it has been classified as a Variant of Uncertain Significance.